The following is an entry in ClinVar:

NM_001127208.3(TET2):c.1965A>C (p.Lys655Asn)

Genes: TET2 (tet methylcytosine dioxygenase 2; plus strand), TET2-AS1 (TET2 antisense RNA 1; minus strand). Cytogenetic location: 4q24.
Variant type: single nucleotide variant.
Coding change: c.1965A>C on transcript NM_001127208.3 (MANE Select); coding-DNA position 1965, A replaced by C.
Protein change: p.Lys655Asn; replaces lysine 655 with asparagine.
Molecular consequence: missense variant.
Genome position (GRCh38, 1-based): chr4:105,235,907, A>C. VCF-style: chr4-105235907-A-C. GRCh37 (hg19) VCF-style: chr4-106157064-A-C.
Other names: c.1965A>C, p.Lys655Asn (NM_017628.4); short protein forms K655N.
Identifiers: ClinVar variation 4594242 (VCV004594242.1).

ClinVar aggregate classification (germline): Uncertain significance (1 of 4 stars; one submission).

Submission:

Ambry Genetics
Classification: Uncertain significance. Last evaluated: 2025-12-09. Review status: criteria provided, single submitter. Criteria: Ambry Variant Classification Scheme 2023. Collection method: clinical testing. Allele origin: germline.
Comment: The p.K655N variant (also known as c.1965A>C), located in coding exon 1 of the TET2 gene, results from an A to C substitution at nucleotide position 1965. The lysine at codon 655 is replaced by asparagine, an amino acid with similar properties. This amino acid position is conserved. In addition, this alteration is predicted to be tolerated by in silico analysis. Based on the available evidence, the clinical significance of this variant remains unclear.